The following is an entry in ClinVar:

ClinVar aggregate classification (germline): Uncertain significance (1 of 4 stars; one submission).

Conditions:
Intellectual developmental disorder, autosomal dominant 65. Also called: MENTAL RETARDATION, AUTOSOMAL DOMINANT 65. Identifiers: MedGen C5543371, MONDO:0023657, OMIM 619320.

Submission:

Laboratorio de Genetica e Diagnostico Molecular, Hospital Israelita Albert Einstein
Classification: Uncertain significance for Intellectual developmental disorder, autosomal dominant 65. Last evaluated: 2024-11-21. Review status: criteria provided, single submitter. Criteria: ACMG Guidelines, 2015. Collection method: clinical testing. Allele origin: germline. Affected: yes.
Comment: ACMG classification criteria: PM2 supporting, BP4 supporting

NM_015015.3(KDM4B):c.2466C>G (p.Ile822Met)

Gene: KDM4B (lysine demethylase 4B; plus strand). Cytogenetic location: 19p13.3.
Variant type: single nucleotide variant.
Coding change: c.2466C>G on transcript NM_015015.3 (MANE Select); coding-DNA position 2466, C replaced by G.
Protein change: p.Ile822Met; replaces isoleucine 822 with methionine.
Molecular consequence: missense variant.
Genome position (GRCh38, 1-based): chr19:5,137,986, C>G. VCF-style: chr19-5137986-C-G. GRCh37 (hg19) VCF-style: chr19-5137997-C-G.
Other names: c.2568C>G, p.Ile856Met (NM_001411148.1); short protein forms I822M, I856M.
Identifiers: ClinVar variation 4056538 (VCV004056538.1).